The following is an entry in ClinVar:

ClinVar aggregate classification (germline): Uncertain significance (1 of 4 stars; one submission).

Conditions:
Brugada syndrome 4 (BRGDA4). Identifiers: Orphanet 130, MedGen C2678477, MONDO:0012743, OMIM 611876.

Submission:

Labcorp Genetics (formerly Invitae), Labcorp
Classification: Uncertain significance for Brugada syndrome 4. Last evaluated: 2018-10-31. Review status: criteria provided, single submitter. Criteria: Invitae Variant Classification Sherloc (09022015). Collection method: clinical testing. Allele origin: germline.
Comment: This sequence change replaces asparagine with serine at codon 280 of the CACNB2 protein (p.Asn280Ser). The asparagine residue is highly conserved and there is a small physicochemical difference between asparagine and serine. This variant is not present in population databases (ExAC no frequency). This variant has not been reported in the literature in individuals with CACNB2-related disease. Algorithms developed to predict the effect of missense changes on protein structure and function are either unavailable or do not agree on the potential impact of this missense change (SIFT: "Deleterious"; PolyPhen-2: "Probably Damaging"; Align-GVGD: "Class C0"). Algorithms developed to predict the effect of sequence changes on RNA splicing suggest that this variant may create or strengthen a splice site, but this prediction has not been confirmed by published transcriptional studies. In summary, the available evidence is currently insufficient to determine the role of this variant in disease. Therefore, it has been classified as a Variant of Uncertain Significance.

NM_201596.3(CACNB2):c.1001A>G (p.Asn334Ser)

Gene: CACNB2 (calcium voltage-gated channel auxiliary subunit beta 2; plus strand). Cytogenetic location: 10p12.31.
Variant type: single nucleotide variant.
Coding change: c.1001A>G on transcript NM_201596.3 (MANE Select); coding-DNA position 1001, A replaced by G.
Protein change: p.Asn334Ser; replaces asparagine 334 with serine.
Molecular consequence: missense variant.
Genome position (GRCh38, 1-based): chr10:18,527,644, A>G. VCF-style: chr10-18527644-A-G. GRCh37 (hg19) VCF-style: chr10-18816573-A-G.
Other names: c.836A>G, p.Asn279Ser (NM_000724.4); c.803A>G, p.Asn268Ser (NM_001167945.2); c.722A>G, p.Asn241Ser (NM_001330060.2); c.857A>G, p.Asn286Ser (NM_201570.3); c.917A>G, p.Asn306Ser (NM_201571.4); c.845A>G, p.Asn282Ser (NM_201572.4); c.839A>G, p.Asn280Ser (NM_201590.3); c.887A>G, p.Asn296Ser (NM_201593.3); and 1 more; short protein forms N279S, N282S, N334S, N280S, N306S, N241S, N268S, N310S.
Identifiers: ClinVar variation 648108 (VCV000648108.1), dbSNP rs1589701386, ClinGen allele CA376065270.